The following is an entry in ClinVar:

NM_005297.4(MCHR1):c.-17C>T

Gene: MCHR1 (melanin concentrating hormone receptor 1; plus strand). Cytogenetic location: 22q13.2.
Variant type: single nucleotide variant.
Coding change: c.-17C>T on transcript NM_005297.4 (MANE Select); 17 bases upstream of the start codon, C replaced by T.
Molecular consequence: 5 prime UTR variant.
Genome position (GRCh38, 1-based): chr22:40,679,636, C>T. VCF-style: chr22-40679636-C-T. GRCh37 (hg19) VCF-style: chr22-41075640-C-T.
Identifiers: ClinVar variation 2634202 (VCV002634202.4), dbSNP rs199936867, ClinGen allele CA10250128.
Genomic context (GRCh38, chr22:40,679,636, plus strand): 5'-GCTGGAGGCTGCCGCAGCCTGCGTGGGTGGAGGGGAGCTCAGCTCGGTTGTGGGAGCAGG[C>T]GACCGGCACTGGCTGGATGGACCTGGAAGCCTCGCTGCTGCCCACTGGTCCCAACGCCAG-3'

ClinVar aggregate classification (germline): Uncertain significance. Review status: criteria provided, single submitter (1 of 4 stars). 2 submissions from 2 submitters: Uncertain significance (1). 1 of the submissions does not count toward it. Last evaluated 2024-08-20.

Conditions:
MCHR1-related disorder. Also called: MCHR1-related condition.

Allele frequency attached by ClinVar (database versions not stated): gnomAD 0.00005; TOPMed 0.00008; ExAC 0.00010.

Submissions (2):

Ambry Genetics
Classification: Uncertain significance. Last evaluated: 2024-08-20. Review status: criteria provided, single submitter. Criteria: Ambry Variant Classification Scheme 2023. Collection method: clinical testing. Allele origin: germline.

PreventionGenetics, part of Exact Sciences
Classification: Uncertain significance for MCHR1-related condition. Last evaluated: 2024-07-10. Review status: no assertion criteria provided. Collection method: clinical testing. Allele origin: germline. Not counted in ClinVar's aggregate classification.
Comment: The MCHR1 c.191C>T variant is predicted to result in the amino acid substitution p.Ala64Val. To our knowledge, this variant has not been reported in the literature. This variant is reported in 0.026% of alleles in individuals of Latino descent in gnomAD. At this time, the clinical significance of this variant is uncertain due to the absence of conclusive functional and genetic evidence.